The following is an entry in ClinVar:

NM_001367624.2(ZNF469):c.822G>C (p.Gln274His)

Gene: ZNF469 (zinc finger protein 469; plus strand). Cytogenetic location: 16q24.2.
Variant type: single nucleotide variant.
Coding change: c.822G>C on transcript NM_001367624.2 (MANE Select); coding-DNA position 822, G replaced by C.
Protein change: p.Gln274His; replaces glutamine 274 with histidine.
Molecular consequence: missense variant.
Genome position (GRCh38, 1-based): chr16:88,428,292, G>C. VCF-style: chr16-88428292-G-C. GRCh37 (hg19) VCF-style: chr16-88494700-G-C.
Other names: NM_001127464.1:c.822G>C; short protein forms Q274H.
Identifiers: ClinVar variation 5032205 (VCV005032205.1).

ClinVar aggregate classification (germline): Uncertain significance (1 of 4 stars; one submission).

Conditions:
Cardiovascular phenotype. Identifiers: MedGen CN230736.

gnomAD v4.1: 2 of 1,550,358 alleles (0.00013%); highest among the groups gnomAD compares: Non-Finnish European, 0.00017%; no homozygotes.

Submission:

Ambry Genetics
Classification: Uncertain significance for Cardiovascular phenotype. Last evaluated: 2026-06-20. Review status: criteria provided, single submitter. Criteria: Ambry Variant Classification Scheme 2023. Collection method: clinical testing. Allele origin: germline.
Comment: The p.Q274H variant (also known as c.822G>C), located in coding exon 1 of the ZNF469 gene, results from a G to C substitution at nucleotide position 822. The glutamine at codon 274 is replaced by histidine, an amino acid with highly similar properties. This amino acid position is conserved. In addition, this alteration is predicted to be tolerated by in silico analysis. Based on the available evidence, the clinical significance of this variant remains unclear.